The following is an entry in ClinVar:

ClinVar aggregate classification (germline): Benign (1 of 4 stars; one submission).

Allele frequency attached by ClinVar (database versions not stated): gnomAD 0.17097 and 0.17376; 1000 Genomes Project 0.17652; 1000 Genomes Project 30x 0.17958; TOPMed 0.18082.
gnomAD v4.1: 26,075 of 152,274 alleles (17%); highest among the groups gnomAD compares: Middle Eastern, 29%; 2,607 homozygotes.

Submission:

GeneDx
Classification: Benign. Last evaluated: 2018-06-14. Review status: criteria provided, single submitter. Criteria: GeneDx Variant Classification (06012015). Collection method: clinical testing. Allele origin: germline. Affected: yes.
Comment: This variant is considered likely benign or benign based on one or more of the following criteria: it is a conservative change, it occurs at a poorly conserved position in the protein, it is predicted to be benign by multiple in silico algorithms, and/or has population frequency not consistent with disease.

NM_017866.6(TMEM70):c.210+167G>C

Gene: TMEM70 (transmembrane protein 70; plus strand). Cytogenetic location: 8q21.11.
Variant type: single nucleotide variant.
Coding change: c.210+167G>C on transcript NM_017866.6 (MANE Select); 167 bases into the intron after coding-DNA position 210, G replaced by C.
Molecular consequence: intron variant.
Genome position (GRCh38, 1-based): chr8:73,976,658, G>C. VCF-style: chr8-73976658-G-C. GRCh37 (hg19) VCF-style: chr8-74888893-G-C.
Other names: c.210+167G>C (NM_001040613.3).
Identifiers: ClinVar variation 678664 (VCV000678664.1), dbSNP rs975915, ClinGen allele CA12814445.